The following is an entry in ClinVar:

NM_000143.4(FH):c.363G>C (p.Met121Ile)

Gene: FH (fumarate hydratase; minus strand). Cytogenetic location: 1q43.
Variant type: single nucleotide variant.
Coding change: c.363G>C on transcript NM_000143.4 (MANE Select); coding-DNA position 363, G replaced by C.
Protein change: p.Met121Ile; replaces methionine 121 with isoleucine.
Molecular consequence: missense variant.
Genome position (GRCh38, 1-based): chr1:241,513,618, C>G on the plus strand (G>C on the coding strand, the complement: FH is on the minus strand). VCF-style: chr1-241513618-C-G. GRCh37 (hg19) VCF-style: chr1-241676918-C-G.
Other names: short protein forms M121I.
Identifiers: ClinVar variation 2814984 (VCV002814984.3), dbSNP rs2527335050, ClinGen allele CA345440485.
Genomic context (GRCh38, chr1:241,513,618, plus strand): 5'-GCATGGGTCTGAGGTTATTAAGCAAACACACTTATCACCTCCTACCTCATCTGCTGCCTT[C>G]ATTATTGCATTAGCAATCTTTGGATCAAGACCATAATCCTGGTTTACTTCAGCGGCCGCT-3'
Protein context (NP_000134.2, residues 111-131): GLDPKIANAI[Met121Ile]KAADEVAEGK

ClinVar aggregate classification (germline): Uncertain significance (1 of 4 stars; one submission).

Submission:

Labcorp Genetics (formerly Invitae), Labcorp
Classification: Uncertain significance. Last evaluated: 2025-07-13. Review status: criteria provided, single submitter. Criteria: Invitae Variant Classification Sherloc (09022015). Collection method: clinical testing. Allele origin: germline.
Comment: This sequence change replaces methionine, which is neutral and non-polar, with isoleucine, which is neutral and non-polar, at codon 121 of the FH protein (p.Met121Ile). This variant is not present in population databases (gnomAD no frequency). This variant has not been reported in the literature in individuals affected with FH-related conditions. ClinVar contains an entry for this variant (Variation ID: 2814984). Invitae Evidence Modeling of protein sequence and biophysical properties (such as structural, functional, and spatial information, amino acid conservation, physicochemical variation, residue mobility, and thermodynamic stability) indicates that this missense variant is not expected to disrupt FH protein function with a negative predictive value of 95%. In summary, the available evidence is currently insufficient to determine the role of this variant in disease. Therefore, it has been classified as a Variant of Uncertain Significance.